The following is an entry in ClinVar:

ClinVar aggregate classification (germline): Uncertain significance (1 of 4 stars; one submission).

Conditions:
Dilated cardiomyopathy 1W (CMD1W). Identifiers: Orphanet 154, MedGen C1969639, MONDO:0012667, OMIM 611407.

Submission:

Labcorp Genetics (formerly Invitae), Labcorp
Classification: Uncertain significance for Dilated cardiomyopathy 1W. Last evaluated: 2025-02-26. Review status: criteria provided, single submitter. Criteria: Invitae Variant Classification Sherloc (09022015). Collection method: clinical testing. Allele origin: germline.
Comment: This sequence change replaces alanine, which is neutral and non-polar, with serine, which is neutral and polar, at codon 969 of the VCL protein (p.Ala969Ser). This variant is not present in population databases (gnomAD no frequency). This variant has not been reported in the literature in individuals affected with VCL-related conditions. An algorithm developed to predict the effect of missense changes on protein structure and function (PolyPhen-2) suggests that this variant is likely to be tolerated. In summary, the available evidence is currently insufficient to determine the role of this variant in disease. Therefore, it has been classified as a Variant of Uncertain Significance.

NM_014000.3(VCL):c.2905G>T (p.Ala969Ser)

Gene: VCL (vinculin; plus strand). Cytogenetic location: 10q22.2.
Variant type: single nucleotide variant.
Coding change: c.2905G>T on transcript NM_014000.3 (MANE Select); coding-DNA position 2905, G replaced by T.
Protein change: p.Ala969Ser; replaces alanine 969 with serine.
Molecular consequence: missense variant. On other transcripts: intron variant (1).
Genome position (GRCh38, 1-based): chr10:74,112,068, G>T. VCF-style: chr10-74112068-G-T. GRCh37 (hg19) VCF-style: chr10-75871826-G-T.
Other names: c.2746-2116G>T (NM_003373.4); short protein forms A969S.
Identifiers: ClinVar variation 4713893 (VCV004713893.1).